The following is an entry in ClinVar:

NM_005051.3(QARS1):c.1014T>C (p.Tyr338=)

Gene: QARS1 (glutaminyl-tRNA synthetase 1; minus strand). Cytogenetic location: 3p21.31.
Variant type: single nucleotide variant.
Coding change: c.1014T>C on transcript NM_005051.3 (MANE Select); coding-DNA position 1014, T replaced by C.
Protein change: p.Tyr338=; no amino-acid change (tyrosine 338 retained).
Molecular consequence: synonymous variant. On other transcripts: non-coding transcript variant (1).
Genome position (GRCh38, 1-based): chr3:49,100,421, A>G on the plus strand (T>C on the coding strand, the complement: QARS1 is on the minus strand). VCF-style: chr3-49100421-A-G. GRCh37 (hg19) VCF-style: chr3-49137854-A-G.
Other names: p.Tyr338=; c.981T>C, p.Tyr327= (NM_001272073.2).
Identifiers: ClinVar variation 383097 (VCV000383097.12), dbSNP rs138685078, ClinGen allele CA2391913.

ClinVar aggregate classification (germline): Benign. Review status: criteria provided, multiple submitters, no conflicts (2 of 4 stars). 5 submissions from 5 submitters: Benign (4). 1 of the submissions does not count toward it. Last evaluated 2026-02-02.

Conditions:
QARS1-related disorder. Also called: QARS1-related condition.
Diffuse cerebral and cerebellar atrophy - intractable seizures - progressive microcephaly syndrome. Also called: Microcephaly, progressive, with seizures and cerebral and cerebellar atrophy. Identifiers: Orphanet 404437, MedGen C4014239, MONDO:0014335, OMIM 615760.

Allele frequency attached by ClinVar (database versions not stated): ESP Exome Variant Server 0.00369; 1000 Genomes Project 0.00619; 1000 Genomes Project 30x 0.00671; gnomAD exomes 0.00027 and 0.00084; ExAC 0.00105; gnomAD 0.00299 and 0.00318; TOPMed 0.00327.
gnomAD v4.1: 880 of 1,614,256 alleles (0.055%); highest among the groups gnomAD compares: African/African-American, 1%; 6 homozygotes.

Submissions (5):

Labcorp Genetics (formerly Invitae), Labcorp
Classification: Benign for Diffuse cerebral and cerebellar atrophy - intractable seizures - progressive microcephaly syndrome. Last evaluated: 2026-02-02. Review status: criteria provided, single submitter. Criteria: Invitae Variant Classification Sherloc (09022015). Collection method: clinical testing. Allele origin: germline.

Mayo Clinic Laboratories, Mayo Clinic
Classification: Benign. Last evaluated: 2025-05-29. Review status: criteria provided, single submitter. Criteria: ACMG Guidelines, 2015. Collection method: clinical testing. Allele origin: germline. Observed: 2 variant alleles.
Comment: BA1, BP4, BP7

Athena Diagnostics
Classification: Benign. Last evaluated: 2024-12-23. Review status: criteria provided, single submitter. Criteria: Athena Diagnostics Criteria. Collection method: clinical testing. Allele origin: unknown.
Comment: The frequency of this variant in the general population is higher than would generally be expected for pathogenic variants in this gene.

GeneDx
Classification: Benign. Last evaluated: 2016-02-16. Review status: criteria provided, single submitter. Criteria: GeneDx Variant Classification (06012015). Collection method: clinical testing. Allele origin: germline. Affected: yes.
Comment: This variant is considered likely benign or benign based on one or more of the following criteria: it is a conservative change, it occurs at a poorly conserved position in the protein, it is predicted to be benign by multiple in silico algorithms, and/or has population frequency not consistent with disease.

PreventionGenetics, part of Exact Sciences
Classification: Benign for QARS1-related condition. Last evaluated: 2024-06-08. Review status: no assertion criteria provided. Collection method: clinical testing. Allele origin: germline. Not counted in ClinVar's aggregate classification.
Comment: This variant is classified as benign based on ACMG/AMP sequence variant interpretation guidelines (Richards et al. 2015 PMID: 25741868, with internal and published modifications).